The following is an entry in ClinVar:

ClinVar aggregate classification (germline): Uncertain significance. Review status: criteria provided, multiple submitters, no conflicts (2 of 4 stars). 4 submissions from 4 submitters: Uncertain significance (3). 1 of the submissions does not count toward it. Last evaluated 2025-08-12.

Conditions:
Inborn genetic diseases. Identifiers: MedGen C0950123, MeSH D030342.
Usher syndrome type 1 (USH1). Also called: RETINITIS PIGMENTOSA AND CONGENITAL DEAFNESS. Identifiers: Orphanet 231169, Orphanet 886, MedGen C1568247, MONDO:0010168, OMIM 276900.

Allele frequency attached by ClinVar (database versions not stated): gnomAD exomes 0.00002 and 0.00001; TOPMed 0.00002; ExAC 0.00001; gnomAD 0.00001.
gnomAD v4.1: 23 of 1,606,486 alleles (0.0014%); highest among the groups gnomAD compares: Non-Finnish European, 0.002%; no homozygotes.

Submissions (4):

GeneDx
Classification: Uncertain significance. Last evaluated: 2025-08-12. Review status: criteria provided, single submitter. Criteria: GeneDx Variant Classification Process June 2021. Collection method: clinical testing. Allele origin: germline. Affected: yes.
Comment: Not observed at significant frequency in large population cohorts (gnomAD); In silico analysis supports that this missense variant has a deleterious effect on protein structure/function; Has not been previously published as pathogenic or benign to our knowledge

Ambry Genetics
Classification: Uncertain significance for Inborn genetic diseases. Last evaluated: 2025-08-07. Review status: criteria provided, single submitter. Criteria: Ambry Variant Classification Scheme 2023. Collection method: clinical testing. Allele origin: germline.

Laboratory for Molecular Medicine, Mass General Brigham Personalized Medicine
Classification: Uncertain significance. Last evaluated: 2011-11-02. Review status: criteria provided, single submitter. Criteria: LMM Criteria. Collection method: clinical testing. Allele origin: germline. Observed: 1 variant allele.
Comment: Variant classified as Uncertain Significance - Favor Benign. The Asp1785Asn vari ant in CDH23 has not been reported in the literature nor previously identified b y our laboratory. Computational analyses (biochemical amino acid properties, hom ology, PolyPhen2, SIFT, AlignGVGD) do not provide strong support for or against pathogenicity. In summary, the clinical significance of this variant cannot be d etermined with certainty at this time.

Natera, Inc.
Classification: Uncertain significance for Usher syndrome type 1. Last evaluated: 2019-10-28. Review status: no assertion criteria provided. Collection method: clinical testing. Allele origin: germline. Not counted in ClinVar's aggregate classification.

NM_022124.6(CDH23):c.5353G>A (p.Asp1785Asn)

Gene: CDH23 (cadherin related 23; plus strand). Cytogenetic location: 10q22.1.
Variant type: single nucleotide variant.
Coding change: c.5353G>A on transcript NM_022124.6 (MANE Select); coding-DNA position 5353, G replaced by A.
Protein change: p.Asp1785Asn; replaces aspartic acid 1785 with asparagine.
Molecular consequence: missense variant.
Genome position (GRCh38, 1-based): chr10:71,779,432, G>A. VCF-style: chr10-71779432-G-A. GRCh37 (hg19) VCF-style: chr10-73539189-G-A.
Other names: short protein forms D1785N.
Identifiers: ClinVar variation 45975 (VCV000045975.7), dbSNP rs397517338, ClinGen allele CA137479.